The following is an entry in ClinVar:

NM_003482.4(KMT2D):c.3214G>T (p.Glu1072Ter)

Gene: KMT2D (lysine methyltransferase 2D; minus strand). Cytogenetic location: 12q13.12.
Variant type: single nucleotide variant.
Coding change: c.3214G>T on transcript NM_003482.4 (MANE Select); coding-DNA position 3214, G replaced by T.
Protein change: p.Glu1072Ter; replaces glutamic acid 1072 with a stop codon.
Molecular consequence: nonsense.
Genome position (GRCh38, 1-based): chr12:49,050,374, C>A on the plus strand (G>T on the coding strand, the complement: KMT2D is on the minus strand). VCF-style: chr12-49050374-C-A. GRCh37 (hg19) VCF-style: chr12-49444157-C-A.
Other names: short protein forms E1072*.
Identifiers: ClinVar variation 3647646 (VCV003647646.2).

ClinVar aggregate classification (germline): Pathogenic (1 of 4 stars; one submission).

Conditions:
Kabuki syndrome. Also called: NIIKAWA-KUROKI SYNDROME; Kabuki make-up syndrome. Identifiers: Orphanet 2322, MedGen C0796004, MONDO:0016512.

Submission:

Labcorp Genetics (formerly Invitae), Labcorp
Classification: Pathogenic for Kabuki syndrome. Last evaluated: 2024-03-26. Review status: criteria provided, single submitter. Criteria: Invitae Variant Classification Sherloc (09022015). Collection method: clinical testing. Allele origin: germline.
Comment: This sequence change creates a premature translational stop signal (p.Glu1072*) in the KMT2D gene. It is expected to result in an absent or disrupted protein product. Loss-of-function variants in KMT2D are known to be pathogenic (PMID: 22126750). This variant is not present in population databases (gnomAD no frequency). This variant has not been reported in the literature in individuals affected with KMT2D-related conditions. For these reasons, this variant has been classified as Pathogenic.

Literature cited by the submitters: PubMed 22126750.